The following is an entry in ClinVar:

NM_000264.5(PTCH1):c.23C>T (p.Ala8Val)

Genes: PTCH1 (patched 1; minus strand), LOC130002133 (ATAC-STARR-seq lymphoblastoid silent region 20071; plus strand). Cytogenetic location: 9q22.32.
Variant type: single nucleotide variant.
Coding change: c.23C>T on transcript NM_000264.5 (MANE Select); coding-DNA position 23, C replaced by T.
Protein change: p.Ala8Val; replaces alanine 8 with valine.
Molecular consequence: missense variant. On other transcripts: non-coding transcript variant (1), intron variant (3).
Genome position (GRCh38, 1-based): chr9:95,508,339, G>A on the plus strand (C>T on the coding strand, the complement: PTCH1 is on the minus strand). VCF-style: chr9-95508339-G-A. GRCh37 (hg19) VCF-style: chr9-98270621-G-A.
Other names: c.23C>T, p.Ala8Val (NM_001354918.2); c.199-1740C>T (NM_001083603.3); c.4-1740C>T (NM_001083602.3, NM_001354919.2); short protein forms A8V.
Identifiers: ClinVar variation 856840 (VCV000856840.10), dbSNP rs1843914282, ClinGen allele CA374121663.

ClinVar aggregate classification (germline): Uncertain significance (1 of 4 stars; one submission).

Conditions:
Gorlin syndrome. Also called: Nevoid Basal Cell Carcinoma Syndrome; Basal cell nevus syndrome. Identifiers: Orphanet 377, MedGen C0004779, MONDO:0007187.

Submission:

Labcorp Genetics (formerly Invitae), Labcorp
Classification: Uncertain significance for Gorlin syndrome. Last evaluated: 2019-05-18. Review status: criteria provided, single submitter. Criteria: Invitae Variant Classification Sherloc (09022015). Collection method: clinical testing. Allele origin: germline.
Comment: In summary, the available evidence is currently insufficient to determine the role of this variant in disease. Therefore, it has been classified as a Variant of Uncertain Significance. Algorithms developed to predict the effect of missense changes on protein structure and function (SIFT, PolyPhen-2, Align-GVGD) all suggest that this variant is likely to be tolerated, but these predictions have not been confirmed by published functional studies and their clinical significance is uncertain. This variant has not been reported in the literature in individuals with PTCH1-related conditions. The frequency data for this variant in the population databases is considered unreliable, as metrics indicate insufficient coverage at this position in the ExAC database. This sequence change replaces alanine with valine at codon 8 of the PTCH1 protein (p.Ala8Val). The alanine residue is weakly conserved and there is a small physicochemical difference between alanine and valine.